The following is an entry in ClinVar:

NM_003070.5(SMARCA2):c.1232A>G (p.Asn411Ser)

Gene: SMARCA2 (SWI/SNF related, matrix associated, actin dependent regulator of chromatin, subfamily a, member 2; plus strand). Cytogenetic location: 9p24.3.
Variant type: single nucleotide variant.
Coding change: c.1232A>G on transcript NM_003070.5 (MANE Select); coding-DNA position 1232, A replaced by G.
Protein change: p.Asn411Ser; replaces asparagine 411 with serine.
Molecular consequence: missense variant.
Genome position (GRCh38, 1-based): chr9:2,056,730, A>G. VCF-style: chr9-2056730-A-G. GRCh37 (hg19) VCF-style: chr9-2056730-A-G.
Other names: c.1232A>G, p.Asn411Ser (NM_001289396.2, NM_001289397.2, NM_139045.4); short protein forms N411S.
Identifiers: ClinVar variation 1187925 (VCV001187925.2), dbSNP rs1820371484, ClinGen allele CA372781656.

ClinVar aggregate classification (germline): Uncertain significance (1 of 4 stars; one submission).

Submission:

GeneDx
Classification: Uncertain significance. Last evaluated: 2019-11-15. Review status: criteria provided, single submitter. Criteria: GeneDx Variant Classification Process June 2021. Collection method: clinical testing. Allele origin: germline. Affected: yes.
Comment: Not observed in large population cohorts (Lek et al., 2016); In silico analysis, which includes protein predictors and evolutionary conservation, supports a deleterious effect; Has not been previously published as pathogenic or benign to our knowledge